The following is an entry in ClinVar:

ClinVar aggregate classification (germline): Uncertain significance (0 of 4 stars; one submission).

Conditions:
PLXNA2-related disorder. Also called: PLXNA2-related condition.

gnomAD v4.1: 7 of 1,610,930 alleles (0.00043%); highest among the groups gnomAD compares: Admixed American, 0.0068%; no homozygotes.

Submission:

PreventionGenetics, part of Exact Sciences
Classification: Uncertain significance for PLXNA2-related condition. Last evaluated: 2024-05-03. Review status: no assertion criteria provided. Collection method: clinical testing. Allele origin: germline.
Comment: The PLXNA2 c.1391C>G variant is predicted to result in the amino acid substitution p.Pro464Arg. To our knowledge, this variant has not been reported in the literature. This variant is reported in 0.012% of alleles in individuals of Latino descent in gnomAD. At this time, the clinical significance of this variant is uncertain due to the absence of conclusive functional and genetic evidence.

NM_025179.4(PLXNA2):c.1391C>G (p.Pro464Arg)

Gene: PLXNA2 (plexin A2; minus strand). Cytogenetic location: 1q32.2.
Variant type: single nucleotide variant.
Coding change: c.1391C>G on transcript NM_025179.4 (MANE Select); coding-DNA position 1391, C replaced by G.
Protein change: p.Pro464Arg; replaces proline 464 with arginine.
Molecular consequence: missense variant.
Genome position (GRCh38, 1-based): chr1:208,142,444, G>C on the plus strand (C>G on the coding strand, the complement: PLXNA2 is on the minus strand). VCF-style: chr1-208142444-G-C. GRCh37 (hg19) VCF-style: chr1-208315789-G-C.
Other names: short protein forms P464R.
Identifiers: ClinVar variation 3355697 (VCV003355697.1).